The following is an entry in ClinVar:

ClinVar aggregate classification (germline): Uncertain significance. Review status: criteria provided, multiple submitters, no conflicts (2 of 4 stars). 3 submissions from 3 submitters: Uncertain significance (3). Last evaluated 2026-05-27.

Conditions:
OTOG-related disorder. Also called: OTOG-related condition.

Allele frequency attached by ClinVar (database versions not stated): gnomAD 0.00001; gnomAD exomes 0.00001 and 0.00015; TOPMed 0.00004.
gnomAD v4.1: 20 of 1,528,494 alleles (0.0013%); highest among the groups gnomAD compares: Admixed American, 0.039%; no homozygotes.

Submissions (3):

PreventionGenetics, part of Exact Sciences
Classification: Uncertain significance for OTOG-related condition. Last evaluated: 2026-05-27. Review status: criteria provided, single submitter. Criteria: ACMG Guidelines, 2015. Collection method: clinical testing. Allele origin: germline.
Comment: The OTOG c.4441C>G variant is predicted to result in the amino acid substitution p.Leu1481Val. To our knowledge, this variant has not been reported in the literature. This variant is reported in 0.086% of alleles in individuals of Latino descent in gnomAD. Although we suspect that this variant may be benign, at this time, the clinical significance of this variant is uncertain due to the absence of conclusive functional and genetic evidence.

GeneDx
Classification: Uncertain significance. Last evaluated: 2024-01-02. Review status: criteria provided, single submitter. Criteria: GeneDx Variant Classification Process June 2021. Collection method: clinical testing. Allele origin: germline. Affected: yes.
Comment: In silico analysis supports that this missense variant does not alter protein structure/function; Has not been previously published as pathogenic or benign to our knowledge

Blueprint Genetics
Classification: Uncertain significance. Last evaluated: 2021-03-03. Review status: criteria provided, single submitter. Criteria: ACMG Guidelines, 2015. Collection method: clinical testing. Allele origin: germline.

NM_001292063.2(OTOG):c.4405C>G (p.Leu1469Val)

Gene: OTOG (otogelin; plus strand). Cytogenetic location: 11p15.1.
Variant type: single nucleotide variant.
Coding change: c.4405C>G on transcript NM_001292063.2 (MANE Select); coding-DNA position 4405, C replaced by G.
Protein change: p.Leu1469Val; replaces leucine 1469 with valine.
Molecular consequence: missense variant.
Genome position (GRCh38, 1-based): chr11:17,609,705, C>G. VCF-style: chr11-17609705-C-G. GRCh37 (hg19) VCF-style: chr11-17631252-C-G.
Other names: c.4441C>G, p.Leu1481Val (NM_001277269.2); short protein forms L1469V, L1481V.
Identifiers: ClinVar variation 1300859 (VCV001300859.5), dbSNP rs1167218241, ClinGen allele CA379795484.